The following is an entry in ClinVar:

ClinVar aggregate classification (germline): Uncertain significance (1 of 4 stars; one submission).

Conditions:
Familial cold autoinflammatory syndrome 2 (FCAS2). Identifiers: Orphanet 247868, MedGen C2673198, MONDO:0012724, OMIM 611762.

Submission:

Labcorp Genetics (formerly Invitae), Labcorp
Classification: Uncertain significance for Familial cold autoinflammatory syndrome 2. Last evaluated: 2023-11-11. Review status: criteria provided, single submitter. Criteria: Invitae Variant Classification Sherloc (09022015). Collection method: clinical testing. Allele origin: germline.
Comment: This variant is a gross deletion of the genomic region encompassing exon(s) 8 of the NLRP12 gene. This variant would be expected to be in-frame, preserving the integrity of the reading frame. This variant has not been reported in the literature in individuals affected with NLRP12-related conditions. Experimental studies and prediction algorithms are not available or were not evaluated, and the functional significance of this variant is currently unknown. In summary, the available evidence is currently insufficient to determine the role of this variant in disease. Therefore, it has been classified as a Variant of Uncertain Significance.

NC_000019.9:g.(?_54301477)_(54301687_?)del

Gene: NLRP12 (NLR family pyrin domain containing 12; minus strand). Cytogenetic location: 19q13.42.
Variant type: Deletion.
Identifiers: ClinVar variation 1020606 (VCV001020606.6).